The following is an entry in ClinVar:

ClinVar aggregate classification (germline): Uncertain significance (1 of 4 stars; one submission).

Allele frequency attached by ClinVar (database versions not stated): gnomAD 0.00001.
gnomAD v4.1: 1 of 1,613,824 alleles (0.000062%); highest among the groups gnomAD compares: African/African-American, 0.0013%; no homozygotes.

Submission:

Labcorp Genetics (formerly Invitae), Labcorp
Classification: Uncertain significance. Last evaluated: 2024-10-22. Review status: criteria provided, single submitter. Criteria: Invitae Variant Classification Sherloc (09022015). Collection method: clinical testing. Allele origin: germline.
Comment: This sequence change replaces leucine, which is neutral and non-polar, with arginine, which is basic and polar, at codon 32 of the PDE6A protein (p.Leu32Arg). This variant is not present in population databases (gnomAD no frequency). This variant has not been reported in the literature in individuals affected with PDE6A-related conditions. ClinVar contains an entry for this variant (Variation ID: 1000525). Invitae Evidence Modeling of protein sequence and biophysical properties (such as structural, functional, and spatial information, amino acid conservation, physicochemical variation, residue mobility, and thermodynamic stability) indicates that this missense variant is not expected to disrupt PDE6A protein function with a negative predictive value of 95%. In summary, the available evidence is currently insufficient to determine the role of this variant in disease. Therefore, it has been classified as a Variant of Uncertain Significance.

NM_000440.3(PDE6A):c.95T>G (p.Leu32Arg)

Gene: PDE6A (phosphodiesterase 6A; minus strand). Cytogenetic location: 5q32.
Variant type: single nucleotide variant.
Coding change: c.95T>G on transcript NM_000440.3 (MANE Select); coding-DNA position 95, T replaced by G.
Protein change: p.Leu32Arg; replaces leucine 32 with arginine.
Molecular consequence: missense variant.
Genome position (GRCh38, 1-based): chr5:149,944,579, A>C on the plus strand (T>G on the coding strand, the complement: PDE6A is on the minus strand). VCF-style: chr5-149944579-A-C. GRCh37 (hg19) VCF-style: chr5-149324142-A-C.
Other names: short protein forms L32R.
Identifiers: ClinVar variation 1000525 (VCV001000525.8), dbSNP rs1754416153, ClinGen allele CA361701369.
Genomic context (GRCh38, chr5:149,944,579, plus strand): 5'-GGGGAGTGGTAGTTGCTGAAGTCCACGGCAGCCTCCTTGGCCCCAAGGAGGTCGGAGATG[A>C]GCTTGGCCCGGTAGTGGAGGTTGTAGTACTGTTTGGCAAAGCCAATATTCGAGTCCAGGA-3'
Protein context (NP_000431.2, residues 22-42): QYYNLHYRAK[Leu32Arg]ISDLLGAKEA